The following is an entry in ClinVar:

ClinVar aggregate classification (germline): Uncertain significance (1 of 4 stars; one submission).

Conditions:
Hereditary cancer-predisposing syndrome. Also called: Neoplastic Syndromes, Hereditary; Tumor predisposition; Hereditary Cancer Syndrome; Hereditary neoplastic syndrome. Identifiers: Orphanet 140162, MedGen C0027672, MeSH D009386, MONDO:0015356.

Submission:

Ambry Genetics
Classification: Uncertain significance for Hereditary cancer-predisposing syndrome. Last evaluated: 2026-03-14. Review status: criteria provided, single submitter. Criteria: Ambry Variant Classification Scheme 2023. Collection method: clinical testing. Allele origin: germline.
Comment: The p.T1550S variant (also known as c.4649C>G), located in coding exon 22 of the DICER1 gene, results from a C to G substitution at nucleotide position 4649. The threonine at codon 1550 is replaced by serine, an amino acid with similar properties. This amino acid position is conserved. In addition, the in silico prediction for this alteration is inconclusive. Based on the available evidence, the clinical significance of this variant remains unclear.

NM_177438.3(DICER1):c.4649C>G (p.Thr1550Ser)

Gene: DICER1 (dicer 1, ribonuclease III; minus strand). Cytogenetic location: 14q32.13.
Variant type: single nucleotide variant.
Coding change: c.4649C>G on transcript NM_177438.3 (MANE Select); coding-DNA position 4649, C replaced by G.
Protein change: p.Thr1550Ser; replaces threonine 1550 with serine.
Molecular consequence: missense variant. On other transcripts: non-coding transcript variant (6).
Genome position (GRCh38, 1-based): chr14:95,096,271, G>C on the plus strand (C>G on the coding strand, the complement: DICER1 is on the minus strand). VCF-style: chr14-95096271-G-C. GRCh37 (hg19) VCF-style: chr14-95562608-G-C.
Other names: c.4649C>G, p.Thr1550Ser (NM_001195573.1, NM_001271282.3, NM_001291628.2 and 12 more transcripts); c.4367C>G, p.Thr1456Ser (NM_001395686.1); c.4244C>G, p.Thr1415Ser (NM_001395687.1, NM_001395688.1, NM_001395689.1 and 2 more transcripts); c.4082C>G, p.Thr1361Ser (NM_001395691.1); c.2966C>G, p.Thr989Ser (NM_001395697.1); short protein forms T989S, T1550S, T1361S, T1415S, T1456S.
Identifiers: ClinVar variation 4826974 (VCV004826974.1).